The following is an entry in ClinVar:

ClinVar aggregate classification (germline): Uncertain significance. Review status: criteria provided, multiple submitters, no conflicts (2 of 4 stars). 2 submissions from 2 submitters: Uncertain significance (2). Last evaluated 2018-02-06.

Conditions:
Familial thoracic aortic aneurysm and aortic dissection (TAAD). Also called: Thoracic aortic aneurysms and dissections. Identifiers: Orphanet 91387, MedGen C4707243, MONDO:0019625.
Ehlers-Danlos syndrome, classic type, 1 (EDSCL1). Also called: EHLERS-DANLOS SYNDROME, GRAVIS TYPE; EHLERS-DANLOS SYNDROME, SEVERE CLASSIC TYPE; EDS I; Ehlers-Danlos Syndrome, Classic Type, COL5A1-Related; Ehlers-Danlos syndrome, type 1. Identifiers: MedGen C0268335, MONDO:0019567, OMIM 130000.

Submissions (2):

Ambry Genetics
Classification: Uncertain significance for Familial thoracic aortic aneurysm and aortic dissection. Last evaluated: 2018-02-06. Review status: criteria provided, single submitter. Criteria: Ambry Variant Classification Scheme 2023. Collection method: clinical testing. Allele origin: germline.
Comment: The p.G1832E variant (also known as c.5495G>A), located in coding exon 66 of the COL5A1 gene, results from a G to A substitution at nucleotide position 5495. The glycine at codon 1832 is replaced by glutamic acid, an amino acid with some similar properties. Another alteration affecting the same amino acid, p.G1823R (c.5494G>A), has been reported in association with Ehlers Danlos syndrome (Symoens S et al. Hum. Mutat., 2012 Oct;33:1485-93). This amino acid position is highly conserved in available vertebrate species. In addition, this alteration is predicted to be deleterious by in silico analysis. Since supporting evidence is limited at this time, the clinical significance of this alteration remains unclear.

Labcorp Genetics (formerly Invitae), Labcorp
Classification: Uncertain significance for Ehlers-Danlos syndrome, classic type, 1. Last evaluated: 2017-07-23. Review status: criteria provided, single submitter. Criteria: Invitae Variant Classification Sherloc (09022015). Collection method: clinical testing. Allele origin: germline.
Comment: In summary, the available evidence is currently insufficient to determine the role of this variant in disease. Therefore, it has been classified as a Variant of Uncertain Significance. Algorithms developed to predict the effect of missense changes on protein structure and function do not agree on the potential impact of this missense change (SIFT: "Deleterious"; PolyPhen-2: "Probably Damaging"; Align-GVGD: "Class C0"). This variant has not been reported in the literature in individuals with COL5A1-related disease. This variant is not present in population databases (ExAC no frequency). This sequence change replaces glycine with glutamic acid at codon 1832 of the COL5A1 protein (p.Gly1832Glu). The glycine residue is highly conserved and there is a moderate physicochemical difference between glycine and glutamic acid.

Literature cited by the submitters: PubMed 22696272 (cited by Ambry Genetics).

NM_000093.5(COL5A1):c.5495G>A (p.Gly1832Glu)

Genes: COL5A1 (collagen type V alpha 1 chain; plus strand), LOC101448202 (uncharacterized LOC101448202; minus strand). Cytogenetic location: 9q34.3.
Variant type: single nucleotide variant.
Coding change: c.5495G>A on transcript NM_000093.5 (MANE Select); coding-DNA position 5495, G replaced by A.
Protein change: p.Gly1832Glu; replaces glycine 1832 with glutamic acid.
Molecular consequence: missense variant.
Genome position (GRCh38, 1-based): chr9:134,842,281, G>A. VCF-style: chr9-134842281-G-A. GRCh37 (hg19) VCF-style: chr9-137734127-G-A.
Other names: c.5495G>A, p.Gly1832Glu (NM_001278074.1); short protein forms G1832E.
Identifiers: ClinVar variation 459715 (VCV000459715.12), dbSNP rs1554727410, ClinGen allele CA375462119.